The following is an entry in ClinVar:

ClinVar aggregate classification (germline): Uncertain significance. Review status: criteria provided, multiple submitters, no conflicts (2 of 4 stars). 2 submissions from 2 submitters: Uncertain significance (2). Last evaluated 2025-11-11.

Allele frequency attached by ClinVar (database versions not stated): ExAC 0.00001.
gnomAD v4.1: 5 of 1,597,994 alleles (0.00031%); highest among the groups gnomAD compares: Non-Finnish European, 0.00042%; no homozygotes.

Submissions (2):

Ambry Genetics
Classification: Uncertain significance. Last evaluated: 2025-11-11. Review status: criteria provided, single submitter. Criteria: Ambry Variant Classification Scheme 2023. Collection method: clinical testing. Allele origin: germline.

Women's Health and Genetics/Laboratory Corporation of America, LabCorp
Classification: Uncertain significance. Last evaluated: 2023-06-27. Review status: criteria provided, single submitter. Criteria: LabCorp Variant Classification Summary - May 2015. Collection method: clinical testing. Allele origin: germline.
Comment: Variant summary: POLRMT c.2386C>G (p.Leu796Val) results in a conservative amino acid change in the encoded protein sequence. Three of five in-silico tools predict a damaging effect of the variant on protein function. The variant allele was found at a frequency of 9e-06 in 221074 control chromosomes. The available data on variant occurrences in the general population are insufficient to allow any conclusion about variant significance. To our knowledge, no occurrence of c.2386C>G in individuals affected with Combined Oxidative Phosphorylation Deficiency 55 and no experimental evidence demonstrating its impact on protein function have been reported. No submitters have cited clinical-significance assessments for this variant to ClinVar after 2014. Based on the evidence outlined above, the variant was classified as uncertain significance.

NM_005035.4(POLRMT):c.2386C>G (p.Leu796Val)

Gene: POLRMT (RNA polymerase mitochondrial; minus strand). Cytogenetic location: 19p13.3.
Variant type: single nucleotide variant.
Coding change: c.2386C>G on transcript NM_005035.4 (MANE Select); coding-DNA position 2386, C replaced by G.
Protein change: p.Leu796Val; replaces leucine 796 with valine.
Molecular consequence: missense variant. On other transcripts: non-coding transcript variant (1).
Genome position (GRCh38, 1-based): chr19:621,312, G>C on the plus strand (C>G on the coding strand, the complement: POLRMT is on the minus strand). VCF-style: chr19-621312-G-C. GRCh37 (hg19) VCF-style: chr19-621312-G-C.
Other names: c.2386C>G, p.Leu796Val (NM_001407805.1, NM_001407808.1, NM_001407812.1 and 4 more transcripts); c.2377C>G, p.Leu793Val (NM_001407806.1, NM_001407809.1); c.2374C>G, p.Leu792Val (NM_001407807.1, NM_001407810.1); c.2344C>G, p.Leu782Val (NM_001407811.1, NM_001407813.1); c.2161C>G, p.Leu721Val (NM_001407830.1, NM_001407832.1); c.2062C>G, p.Leu688Val (NM_001407831.1, NM_001407833.1, NM_001407835.1 and 1 more transcripts); c.2053C>G, p.Leu685Val (NM_001407834.1); short protein forms L685V, L688V, L721V, L782V, L792V, L793V, L796V.
Identifiers: ClinVar variation 2573537 (VCV002573537.2), dbSNP rs760600753, ClinGen allele CA9019956.